The following is an entry in ClinVar:

NM_015512.5(DNAH1):c.1469A>G (p.His490Arg)

Gene: DNAH1 (dynein axonemal heavy chain 1; plus strand). Cytogenetic location: 3p21.1.
Variant type: single nucleotide variant.
Coding change: c.1469A>G on transcript NM_015512.5 (MANE Select); coding-DNA position 1469, A replaced by G.
Protein change: p.His490Arg; replaces histidine 490 with arginine.
Molecular consequence: missense variant.
Genome position (GRCh38, 1-based): chr3:52,345,519, A>G. VCF-style: chr3-52345519-A-G. GRCh37 (hg19) VCF-style: chr3-52379535-A-G.
Other names: short protein forms H490R.
Identifiers: ClinVar variation 977580 (VCV000977580.5), dbSNP rs1449951214, ClinGen allele CA353090095.

ClinVar aggregate classification (germline): Uncertain significance. Review status: criteria provided, multiple submitters, no conflicts (2 of 4 stars). 3 submissions from 3 submitters: Uncertain significance (3). Last evaluated 2024-02-23.

Conditions:
Spermatogenic failure 18. Identifiers: MedGen C4539783, MONDO:0054615, OMIM 617576.
Ciliary dyskinesia, primary, 37 (CILD37). Also called: CILIARY DYSKINESIA, PRIMARY, 37, WITH OR WITHOUT SITUS INVERSUS. Identifiers: MedGen C4539798, MONDO:0033204, OMIM 617577.
Primary ciliary dyskinesia. Also called: Ciliary dyskinesia. Identifiers: Orphanet 244, MedGen C0008780, MONDO:0016575, HP:0012265.

Allele frequency attached by ClinVar (database versions not stated): gnomAD exomes 0.00005 and 0.00001; TOPMed 0.00003; gnomAD 0.00002.
gnomAD v4.1: 67 of 1,572,086 alleles (0.0043%); highest among the groups gnomAD compares: Non-Finnish European, 0.0057%; no homozygotes.

Submissions (3):

Molecular Genetics McLendon Clinical Laboratories, University of North Carolina at Chapel Hill
Classification: Uncertain significance for Primary ciliary dyskinesia. Last evaluated: 2024-02-23. Review status: criteria provided, single submitter. Criteria: ACMG Guidelines, 2015. Collection method: clinical testing. Allele origin: germline.

Labcorp Genetics (formerly Invitae), Labcorp
Classification: Uncertain significance for Ciliary dyskinesia, primary, 37; Spermatogenic failure 18. Last evaluated: 2021-08-31. Review status: criteria provided, single submitter. Criteria: Invitae Variant Classification Sherloc (09022015). Collection method: clinical testing. Allele origin: germline.
Comment: This sequence change replaces histidine with arginine at codon 490 of the DNAH1 protein (p.His490Arg). The histidine residue is weakly conserved and there is a small physicochemical difference between histidine and arginine. This variant is not present in population databases (ExAC no frequency). This variant has not been reported in the literature in individuals affected with DNAH1-related conditions. Algorithms developed to predict the effect of missense changes on protein structure and function (SIFT, PolyPhen-2, Align-GVGD) all suggest that this variant is likely to be tolerated. In summary, the available evidence is currently insufficient to determine the role of this variant in disease. Therefore, it has been classified as a Variant of Uncertain Significance.

UNC Molecular Genetics  Laboratory, University of North Carolina at Chapel Hill
Classification: Uncertain significance for Primary ciliary dyskinesia. Last evaluated: 2018-07-30. Review status: criteria provided, single submitter. Criteria: ACMG Guidelines, 2015. Collection method: clinical testing. Allele origin: germline. Observed: 1 compound heterozygote.